The following is an entry in ClinVar:

ClinVar aggregate classification (germline): Uncertain significance (1 of 4 stars; one submission).

Submission:

Ambry Genetics
Classification: Uncertain significance. Last evaluated: 2025-10-22. Review status: criteria provided, single submitter. Criteria: Ambry Variant Classification Scheme 2023. Collection method: clinical testing. Allele origin: germline.
Comment: The p.V1115L variant (also known as c.3343G>C), located in coding exon 12 of the WNK2 gene, results from a G to C substitution at nucleotide position 3343. The valine at codon 1115 is replaced by leucine, an amino acid with highly similar properties. This amino acid position is conserved. In addition, this alteration is predicted to be tolerated by in silico analysis. Based on the available evidence, the clinical significance of this variant remains unclear.

NM_006648.4(WNK2):c.3343G>C (p.Val1115Leu)

Gene: WNK2 (WNK lysine deficient protein kinase 2; plus strand). Cytogenetic location: 9q22.31.
Variant type: single nucleotide variant.
Coding change: c.3343G>C on transcript NM_006648.4 (MANE Select); coding-DNA position 3343, G replaced by C.
Protein change: p.Val1115Leu; replaces valine 1115 with leucine.
Molecular consequence: missense variant.
Genome position (GRCh38, 1-based): chr9:93,262,090, G>C. VCF-style: chr9-93262090-G-C. GRCh37 (hg19) VCF-style: chr9-96024372-G-C.
Other names: c.3343G>C, p.Val1115Leu (NM_001282394.3); short protein forms V1115L.
Identifiers: ClinVar variation 4605278 (VCV004605278.1).